The following is an entry in ClinVar:

NM_001080517.3(SETD5):c.819G>C (p.Leu273=)

Gene: SETD5 (SET domain containing 5; plus strand). Cytogenetic location: 3p25.3.
Variant type: single nucleotide variant.
Coding change: c.819G>C on transcript NM_001080517.3 (MANE Select); coding-DNA position 819, G replaced by C.
Protein change: p.Leu273=; no amino-acid change (leucine 273 retained).
Molecular consequence: synonymous variant.
Genome position (GRCh38, 1-based): chr3:9,441,601, G>C. VCF-style: chr3-9441601-G-C. GRCh37 (hg19) VCF-style: chr3-9483285-G-C.
Other names: c.525G>C, p.Leu175= (NM_001292043.2, NM_001349451.2).
Identifiers: ClinVar variation 2653473 (VCV002653473.27), dbSNP rs1428406043, ClinGen allele CA432373516.

ClinVar aggregate classification (germline): Likely benign. Review status: criteria provided, multiple submitters, no conflicts (2 of 4 stars). 2 submissions from 2 submitters: Likely benign (2). Last evaluated 2023-03-26.

Allele frequency attached by ClinVar (database versions not stated): TOPMed below 0.00001.
gnomAD v4.1: 4 of 1,613,784 alleles (0.00025%); highest among the groups gnomAD compares: Non-Finnish European, 0.00034%; no homozygotes.

Submissions (2):

Labcorp Genetics (formerly Invitae), Labcorp
Classification: Likely benign. Last evaluated: 2023-03-26. Review status: criteria provided, single submitter. Criteria: Invitae Variant Classification Sherloc (09022015). Collection method: clinical testing. Allele origin: germline.

CeGaT Center for Human Genetics Tuebingen
Classification: Likely benign. Last evaluated: 2023-01-01. Review status: criteria provided, single submitter. Criteria: CeGaT Center For Human Genetics Tuebingen Variant Classification Criteria Version 2. Collection method: clinical testing. Allele origin: germline. Affected: yes. Observed: 1 variant allele.
Comment: SETD5: BP4, BP7